The following is an entry in ClinVar:

ClinVar aggregate classification (germline): Likely benign (0 of 4 stars; one submission).

Conditions:
PPARG-related disorder. Also called: PPARG-related disorders; PPARG-related condition.

gnomAD v4.1: 29 of 1,614,138 alleles (0.0018%); highest among the groups gnomAD compares: African/African-American, 0.037%; no homozygotes.

Submission:

PreventionGenetics, part of Exact Sciences
Classification: Likely benign for PPARG-related condition. Last evaluated: 2022-07-05. Review status: no assertion criteria provided. Collection method: clinical testing. Allele origin: germline.
Comment: This variant is classified as likely benign based on ACMG/AMP sequence variant interpretation guidelines (Richards et al. 2015 PMID: 25741868, with internal and published modifications).

NM_138711.6(PPARG):c.810G>A (p.Glu270=)

Gene: PPARG (peroxisome proliferator activated receptor gamma; plus strand). Cytogenetic location: 3p25.2.
Variant type: single nucleotide variant.
Coding change: c.810G>A on transcript NM_138711.6 (MANE Select); coding-DNA position 810, G replaced by A.
Protein change: p.Glu270=; no amino-acid change (glutamic acid 270 retained).
Molecular consequence: synonymous variant. On other transcripts: intron variant (5).
Genome position (GRCh38, 1-based): chr3:12,416,784, G>A. VCF-style: chr3-12416784-G-A. GRCh37 (hg19) VCF-style: chr3-12458283-G-A.
Other names: c.810G>A, p.Glu270= (NM_001354666.3, NM_001354667.3, NM_001374263.2 and 3 more transcripts); c.183G>A, p.Glu61= (NM_001354669.2); c.900G>A, p.Glu300= (NM_015869.5); c.729+10703G>A (NM_001374261.3, NM_001374262.3, NM_001330615.4); c.653+10785G>A (NM_001374266.1); c.819+10703G>A (NM_001374265.1).
Identifiers: ClinVar variation 3351893 (VCV003351893.1).
Genomic context (GRCh38, chr3:12,416,784, plus strand): 5'-GAATTCCTTAATGATGGGAGAAGATAAAATCAAGTTCAAACACATCACCCCCCTGCAGGA[G>A]CAGAGCAAAGAGGTGGCCATCCGCATCTTTCAGGGCTGCCAGTTTCGCTCCGTGGAGGCT-3'
Protein context (NP_619725.3, residues 260-280): IKFKHITPLQ[Glu270=]QSKEVAIRIF